The following is an entry in ClinVar:

ClinVar aggregate classification (germline): Uncertain significance. Review status: criteria provided, multiple submitters, no conflicts (2 of 4 stars). 2 submissions from 2 submitters: Uncertain significance (2). Last evaluated 2023-12-18.

Conditions:
RYR1-related disorder. Also called: RYR1-related disorders; RYR1-related condition. Identifiers: MedGen CN239331.
Malignant hyperthermia, susceptibility to, 1 (MHS1). Also called: Malignant hyperthermia suceptibility 1; RYR1-Related Malignant Hyperthermia Susceptibility; Anesthesia related hyperthermia; Malignant hyperpyrexia; Fulminating hyperpyrexia; Pharmacogenic myopathy. Identifiers: Orphanet 423, MedGen C2930980, MONDO:0007783, OMIM 145600.

gnomAD v4.1: 1 of 1,614,122 alleles (0.000062%); no homozygotes.

Submissions (2):

All of Us Research Program, National Institutes of Health
Classification: Uncertain significance for Malignant hyperthermia, susceptibility to, 1. Last evaluated: 2023-12-18. Review status: criteria provided, single submitter. Criteria: ACMG Guidelines, 2015. Collection method: clinical testing. Allele origin: germline. Inheritance: Autosomal dominant inheritance. Observed: 1 variant allele, 1 heterozygote.
Comment: This missense variant replaces glutamic acid with glycine at codon 1118 of the RYR1 protein. Computational prediction suggests that this variant may not impact protein structure and function (internally defined REVEL score threshold <= 0.5, PMID: 27666373). To our knowledge, functional studies have not been reported for this variant. This variant has not been reported in individuals affected with RYR1-related disorders in the literature. This variant has not been identified in the general population by the Genome Aggregation Database (gnomAD). The available evidence is insufficient to determine the role of this variant in disease conclusively. Therefore, this variant is classified as a Variant of Uncertain Significance.

This study involves interpretation of variants in research participants for the purpose of population health screening. Participant phenotype was not available at the time of variant classification. Additional details can be found in publication PMID: 35346344, PMCID: PMC8962531

Labcorp Genetics (formerly Invitae), Labcorp
Classification: Uncertain significance for RYR1-related disorder. Last evaluated: 2022-07-12. Review status: criteria provided, single submitter. Criteria: Invitae Variant Classification Sherloc (09022015). Collection method: clinical testing. Allele origin: germline.
Comment: This sequence change replaces glutamic acid, which is acidic and polar, with glycine, which is neutral and non-polar, at codon 1118 of the RYR1 protein (p.Glu1118Gly). In summary, the available evidence is currently insufficient to determine the role of this variant in disease. Therefore, it has been classified as a Variant of Uncertain Significance. Algorithms developed to predict the effect of sequence changes on RNA splicing suggest that this variant may disrupt the consensus splice site. Advanced modeling of protein sequence and biophysical properties (such as structural, functional, and spatial information, amino acid conservation, physicochemical variation, residue mobility, and thermodynamic stability) performed at Invitae indicates that this missense variant is not expected to disrupt RYR1 protein function. ClinVar contains an entry for this variant (Variation ID: 944762). This variant has not been reported in the literature in individuals affected with RYR1-related conditions. This variant is not present in population databases (gnomAD no frequency).

NM_000540.3(RYR1):c.3353A>G (p.Glu1118Gly)

Gene: RYR1 (ryanodine receptor 1; plus strand). Cytogenetic location: 19q13.2.
Variant type: single nucleotide variant.
Coding change: c.3353A>G on transcript NM_000540.3 (MANE Select); coding-DNA position 3353, A replaced by G.
Protein change: p.Glu1118Gly; replaces glutamic acid 1118 with glycine.
Molecular consequence: missense variant.
Genome position (GRCh38, 1-based): chr19:38,467,784, A>G. VCF-style: chr19-38467784-A-G. GRCh37 (hg19) VCF-style: chr19-38958424-A-G.
Other names: c.3353A>G, p.Glu1118Gly (NM_001042723.2); short protein forms E1118G.
Identifiers: ClinVar variation 944762 (VCV000944762.10), dbSNP rs1968189395, ClinGen allele CA405637470.
Genomic context (GRCh38, chr19:38,467,784, plus strand): 5'-AGATGCGCGTGGGCTGGGCGAGGCCCGAGCTGAGGCCTGATGTAGAGCTGGGAGCTGACG[A>G]GCTGGCCTATGTCTTCAATGGGCACCGCGTGGGTACCTCCCTGGGCACCATTCTGCCAGG-3'
Protein context (NP_000531.2, residues 1108-1128): LRPDVELGAD[Glu1118Gly]LAYVFNGHRG